The following is an entry in ClinVar:

NM_002693.3(POLG):c.1966T>A (p.Tyr656Asn)

Gene: POLG (DNA polymerase gamma, catalytic subunit; minus strand). Cytogenetic location: 15q26.1.
Variant type: single nucleotide variant.
Coding change: c.1966T>A on transcript NM_002693.3 (MANE Select); coding-DNA position 1966, T replaced by A.
Protein change: p.Tyr656Asn; replaces tyrosine 656 with asparagine.
Molecular consequence: missense variant.
Genome position (GRCh38, 1-based): chr15:89,324,211, A>T on the plus strand (T>A on the coding strand, the complement: POLG is on the minus strand). VCF-style: chr15-89324211-A-T. GRCh37 (hg19) VCF-style: chr15-89867442-A-T.
Other names: c.1966T>A, p.Tyr656Asn (NM_001126131.2); short protein forms Y656N.
Identifiers: ClinVar variation 1056400 (VCV001056400.9), dbSNP rs2152063453, ClinGen allele CA393757850.

ClinVar aggregate classification (germline): Uncertain significance (1 of 4 stars; one submission).

Conditions:
Progressive sclerosing poliodystrophy (MTDPS4A). Also called: NEURONAL DEGENERATION OF CHILDHOOD WITH LIVER DISEASE, PROGRESSIVE; Alpers-Huttenlocher Syndrome (AHS); ALPERS PROGRESSIVE INFANTILE POLIODYSTROPHY; Mitochondrial DNA Depletion Syndrome 4A; Alpers Syndrome; ALPERS DIFFUSE DEGENERATION OF CEREBRAL GRAY MATTER WITH HEPATIC CIRRHOSIS. Identifiers: Orphanet 726, MedGen C0205710, MONDO:0008758, OMIM 203700.

Submission:

Labcorp Genetics (formerly Invitae), Labcorp
Classification: Uncertain significance for Progressive sclerosing poliodystrophy. Last evaluated: 2020-07-12. Review status: criteria provided, single submitter. Criteria: Invitae Variant Classification Sherloc (09022015). Collection method: clinical testing. Allele origin: germline.
Comment: In summary, the available evidence is currently insufficient to determine the role of this variant in disease. Therefore, it has been classified as a Variant of Uncertain Significance. Algorithms developed to predict the effect of missense changes on protein structure and function (SIFT, PolyPhen-2, Align-GVGD) all suggest that this variant is likely to be disruptive, but these predictions have not been confirmed by published functional studies and their clinical significance is uncertain. This variant has not been reported in the literature in individuals with POLG-related conditions. This variant is not present in population databases (ExAC no frequency). This sequence change replaces tyrosine with asparagine at codon 656 of the POLG protein (p.Tyr656Asn). The tyrosine residue is moderately conserved and there is a large physicochemical difference between tyrosine and asparagine.